The following is an entry in ClinVar:

NM_015015.3(KDM4B):c.1315+3646C>T

Gene: KDM4B (lysine demethylase 4B; plus strand). Cytogenetic location: 19p13.3.
Variant type: single nucleotide variant.
Coding change: c.1315+3646C>T on transcript NM_015015.3 (MANE Select); 3646 bases into the intron after coding-DNA position 1315, C replaced by T.
Molecular consequence: intron variant.
Genome position (GRCh38, 1-based): chr19:5,123,498, C>T. VCF-style: chr19-5123498-C-T. GRCh37 (hg19) VCF-style: chr19-5123509-C-T.
Other names: c.1417+3646C>T (NM_001411148.1).
Identifiers: ClinVar variation 2649095 (VCV002649095.24), dbSNP rs556074023, ClinGen allele CA304572917.
Genomic context (GRCh38, chr19:5,123,498, plus strand): 5'-CCTAAGGACACTGGCCACGCTGGGCCTGGCCCGCCCCAAGGGTCTCATCATAACTCATTC[C>T]GTCTGCAGTGACGCCCTTCCCAAACAAGGTGGCACCCCAGGTCCGGGGGCTAGGACTGCA-3'

ClinVar aggregate classification (germline): Likely benign (1 of 4 stars; one submission).

Allele frequency attached by ClinVar (database versions not stated): 1000 Genomes Project 0.00040; 1000 Genomes Project 30x 0.00047.
gnomAD v4.1: 187 of 152,358 alleles (0.12%); highest among the groups gnomAD compares: Non-Finnish European, 0.23%; 1 homozygote.

Submission:

CeGaT Center for Human Genetics Tuebingen
Classification: Likely benign. Last evaluated: 2022-11-01. Review status: criteria provided, single submitter. Criteria: CeGaT Center For Human Genetics Tuebingen Variant Classification Criteria Version 2. Collection method: clinical testing. Allele origin: germline. Affected: yes. Observed: 1 variant allele.
Comment: KDM4B: BS1